The following is an entry in ClinVar:

NM_018419.3(SOX18):c.817G>A (p.Ala273Thr)

Gene: SOX18 (SRY-box transcription factor 18; minus strand). Cytogenetic location: 20q13.33.
Variant type: single nucleotide variant.
Coding change: c.817G>A on transcript NM_018419.3 (MANE Select); coding-DNA position 817, G replaced by A.
Protein change: p.Ala273Thr; replaces alanine 273 with threonine.
Molecular consequence: missense variant.
Genome position (GRCh38, 1-based): chr20:64,048,504, C>T on the plus strand (G>A on the coding strand, the complement: SOX18 is on the minus strand). VCF-style: chr20-64048504-C-T. GRCh37 (hg19) VCF-style: chr20-62679857-C-T.
Other names: short protein forms A273T.
Identifiers: ClinVar variation 3632831 (VCV003632831.2).
Genomic context (GRCh38, chr20:64,048,504, plus strand): 5'-ACGGGCCGGGCGTGCCCAGGGTGCCGTAGTACAGGCCAGCGAGCGGCGCCGCGGGGGGCG[C>T]GGTCCTGAGCGCCTCCGCCAGGGGAGCCCCGTAGCAACCGCCGGGGTCCCGCGACAACTC-3'
Protein context (NP_060889.1, residues 263-283): GAPLAEALRT[Ala273Thr]PPAAPLAGLY

ClinVar aggregate classification (germline): Uncertain significance (1 of 4 stars; one submission).

gnomAD v4.1: 1 of 1,219,578 alleles (0.000082%); highest among the groups gnomAD compares: Non-Finnish European, 0.0001%; no homozygotes.

Submission:

Labcorp Genetics (formerly Invitae), Labcorp
Classification: Uncertain significance. Last evaluated: 2024-11-27. Review status: criteria provided, single submitter. Criteria: Invitae Variant Classification Sherloc (09022015). Collection method: clinical testing. Allele origin: germline.
Comment: This sequence change replaces alanine, which is neutral and non-polar, with threonine, which is neutral and polar, at codon 273 of the SOX18 protein (p.Ala273Thr). This variant is not present in population databases (gnomAD no frequency). This variant has not been reported in the literature in individuals affected with SOX18-related conditions. Invitae Evidence Modeling of protein sequence and biophysical properties (such as structural, functional, and spatial information, amino acid conservation, physicochemical variation, residue mobility, and thermodynamic stability) indicates that this missense variant is not expected to disrupt SOX18 protein function with a negative predictive value of 80%. In summary, the available evidence is currently insufficient to determine the role of this variant in disease. Therefore, it has been classified as a Variant of Uncertain Significance.